The following is an entry in ClinVar:

ClinVar aggregate classification (germline): Uncertain significance (1 of 4 stars; one submission).

Conditions:
COL9A1-related disorder. Also called: COL9A1-related condition; COL9A1-related disorders.

gnomAD v4.1: 13 of 1,613,904 alleles (0.00081%); highest among the groups gnomAD compares: Non-Finnish European, 0.001%; no homozygotes.

Submission:

PreventionGenetics, part of Exact Sciences
Classification: Uncertain significance for COL9A1-related condition. Last evaluated: 2025-09-25. Review status: criteria provided, single submitter. Criteria: ACMG Guidelines, 2015. Collection method: clinical testing. Allele origin: germline.
Comment: The COL9A1 c.305T>C variant is predicted to result in the amino acid substitution p.Leu102Ser. To our knowledge, this variant has not been reported in the literature. This variant is reported in 0.00089% of alleles in individuals of European (Non-Finnish) descent in gnomAD. At this time, the clinical significance of this variant is uncertain due to the absence of conclusive functional and genetic evidence.

NM_001851.6(COL9A1):c.305T>C (p.Leu102Ser)

Gene: COL9A1 (collagen type IX alpha 1 chain; minus strand). Cytogenetic location: 6q13.
Variant type: single nucleotide variant.
Coding change: c.305T>C on transcript NM_001851.6 (MANE Select); coding-DNA position 305, T replaced by C.
Protein change: p.Leu102Ser; replaces leucine 102 with serine.
Molecular consequence: missense variant.
Genome position (GRCh38, 1-based): chr6:70,294,558, A>G on the plus strand (T>C on the coding strand, the complement: COL9A1 is on the minus strand). VCF-style: chr6-70294558-A-G. GRCh37 (hg19) VCF-style: chr6-71004261-A-G.
Other names: c.305T>C, p.Leu102Ser (NM_001377291.1); short protein forms L102S.
Identifiers: ClinVar variation 4984765 (VCV004984765.1).